The following is an entry in ClinVar:

NM_032043.3(BRIP1):c.1528A>G (p.Lys510Glu)

Gene: BRIP1 (BRCA1 interacting DNA helicase 1; minus strand). Cytogenetic location: 17q23.2.
Variant type: single nucleotide variant.
Coding change: c.1528A>G on transcript NM_032043.3 (MANE Select); coding-DNA position 1528, A replaced by G.
Protein change: p.Lys510Glu; replaces lysine 510 with glutamic acid.
Molecular consequence: missense variant.
Genome position (GRCh38, 1-based): chr17:61,784,370, T>C on the plus strand (A>G on the coding strand, the complement: BRIP1 is on the minus strand). VCF-style: chr17-61784370-T-C. GRCh37 (hg19) VCF-style: chr17-59861731-T-C.
Other names: short protein forms K510E.
Identifiers: ClinVar variation 652850 (VCV000652850.9), dbSNP rs1603336991, ClinGen allele CA400481296.

ClinVar aggregate classification (germline): Uncertain significance (1 of 4 stars; one submission).

Conditions:
Familial cancer of breast. Also called: hereditary breast carcinoma; BREAST CANCER, FAMILIAL; Hereditary breast cancer. Identifiers: Orphanet 227535, MedGen C0346153, MONDO:0016419, OMIM 114480. Disease mechanism: loss of function.
Fanconi anemia complementation group J. Also called: BRIP1-Related Fanconi Anemia. Identifiers: Orphanet 84, MedGen C1836860, MONDO:0012187, OMIM 609054.

Submission:

Labcorp Genetics (formerly Invitae), Labcorp
Classification: Uncertain significance for Familial cancer of breast; Fanconi anemia complementation group J. Last evaluated: 2018-11-22. Review status: criteria provided, single submitter. Criteria: Invitae Variant Classification Sherloc (09022015). Collection method: clinical testing. Allele origin: germline.
Comment: In summary, the available evidence is currently insufficient to determine the role of this variant in disease. Therefore, it has been classified as a Variant of Uncertain Significance. Algorithms developed to predict the effect of missense changes on protein structure and function are either unavailable or do not agree on the potential impact of this missense change (SIFT: "Tolerated"; PolyPhen-2: "Possibly Damaging"; Align-GVGD: "Class C0"). This variant has not been reported in the literature in individuals with BRIP1-related conditions. This variant is not present in population databases (ExAC no frequency). This sequence change replaces lysine with glutamic acid at codon 510 of the BRIP1 protein (p.Lys510Glu). The lysine residue is moderately conserved and there is a small physicochemical difference between lysine and glutamic acid.